The following is an entry in ClinVar:

NM_018124.4(RFWD3):c.1999C>A (p.Leu667Met)

Gene: RFWD3 (ring finger and WD repeat domain 3; minus strand). Cytogenetic location: 16q23.1.
Variant type: single nucleotide variant.
Coding change: c.1999C>A on transcript NM_018124.4 (MANE Select); coding-DNA position 1999, C replaced by A.
Protein change: p.Leu667Met; replaces leucine 667 with methionine.
Molecular consequence: missense variant.
Genome position (GRCh38, 1-based): chr16:74,626,525, G>T on the plus strand (C>A on the coding strand, the complement: RFWD3 is on the minus strand). VCF-style: chr16-74626525-G-T. GRCh37 (hg19) VCF-style: chr16-74660423-G-T.
Other names: c.1999C>A, p.Leu667Met (NM_001370534.1, NM_001370535.1); c.1822C>A, p.Leu608Met (NM_001370536.1); c.1165C>A, p.Leu389Met (NM_001370537.1, NM_001370539.1, NM_001370540.1 and 2 more transcripts); short protein forms L608M, L389M, L667M.
Identifiers: ClinVar variation 4768325 (VCV004768325.1).

ClinVar aggregate classification (germline): Uncertain significance (1 of 4 stars; one submission).

gnomAD v4.1: 5 of 1,614,034 alleles (0.00031%); highest among the groups gnomAD compares: Non-Finnish European, 0.00042%; no homozygotes.

Submission:

Labcorp Genetics (formerly Invitae), Labcorp
Classification: Uncertain significance. Last evaluated: 2025-05-12. Review status: criteria provided, single submitter. Criteria: Invitae Variant Classification Sherloc (09022015). Collection method: clinical testing. Allele origin: germline.
Comment: This sequence change replaces leucine, which is neutral and non-polar, with methionine, which is neutral and non-polar, at codon 667 of the RFWD3 protein (p.Leu667Met). This variant is present in population databases (rs764903046, gnomAD 0.0009%). This variant has not been reported in the literature in individuals affected with RFWD3-related conditions. An algorithm developed to predict the effect of missense changes on protein structure and function (PolyPhen-2) suggests that this variant is likely to be disruptive. In summary, the available evidence is currently insufficient to determine the role of this variant in disease. Therefore, it has been classified as a Variant of Uncertain Significance.